The following is an entry in ClinVar:

NC_000012.12:g.(?_132657126)_(132687325_?)del

Genes: POLE (DNA polymerase epsilon, catalytic subunit; minus strand), LOC130009266 (ATAC-STARR-seq lymphoblastoid silent region 5123; plus strand). Cytogenetic location: 12q24.33.
Variant type: Deletion.
Identifiers: ClinVar variation 649638 (VCV000649638.1).

ClinVar aggregate classification (germline): Uncertain significance (1 of 4 stars; one submission).

Conditions:
Colorectal cancer, susceptibility to, 12 (CRCS12). Also called: COLORECTAL CANCER, SUSCEPTIBILITY TO, ON CHROMOSOME 12q24. Identifiers: Orphanet 220460, MedGen C3554460, MONDO:0014038, OMIM 615083.

Submission:

Labcorp Genetics (formerly Invitae), Labcorp
Classification: Uncertain significance for Colorectal cancer, susceptibility to, 12. Last evaluated: 2018-08-25. Review status: criteria provided, single submitter. Criteria: Invitae Variant Classification Sherloc (09022015). Collection method: clinical testing. Allele origin: germline.
Comment: This variant is a gross deletion of the genomic region encompassing exons 1-29 of the POLE gene, which includes the initiator codon. The 5' end of this event is unknown as it extends beyond the assayed region for this gene and therefore may encompass additional genes. The 3' boundary is likely confined to intron 29 of the POLE gene. This is expected to result in an absent or disrupted protein product. This variant has not been reported in the literature in individuals with POLE-related disease. Missense variants that disrupt the 3'-5' exonuclease (proof-reading) activity of the POLE protein, while not abolishing its polymerase enzyme activity, are associated with an increased risk for colonic adenomatous polyps and colon cancer (PMID:Â¬â€ 23263490,Â¬â€ 23447401). Loss-of-function truncating variants, which result in an absent or severely disrupted POLE protein, are therefore unlikely to be associated with disease. Without further clinical and genetic evidence, however, this variant has been classified as a Variant of Uncertain Significance.